The following is an entry in ClinVar:

NM_000051.4(ATM):c.3785G>C (p.Arg1262Thr)

Gene: ATM (ATM serine/threonine kinase; plus strand). Cytogenetic location: 11q22.3.
Variant type: single nucleotide variant.
Coding change: c.3785G>C on transcript NM_000051.4 (MANE Select); coding-DNA position 3785, G replaced by C.
Protein change: p.Arg1262Thr; replaces arginine 1262 with threonine.
Molecular consequence: missense variant.
Genome position (GRCh38, 1-based): chr11:108,284,265, G>C. VCF-style: chr11-108284265-G-C. GRCh37 (hg19) VCF-style: chr11-108154992-G-C.
Other names: c.3785G>C, p.Arg1262Thr (NM_001351834.2); short protein forms R1262T.
Identifiers: ClinVar variation 1449053 (VCV001449053.6), dbSNP rs786203618, ClinGen allele CA382524552.

ClinVar aggregate classification (germline): Uncertain significance (1 of 4 stars; one submission).

Conditions:
Ataxia-telangiectasia syndrome (AT). Also called: Ataxia-telangiectasia; LOUIS-BAR SYNDROME; AT, COMPLEMENTATION GROUP C; Ataxia-telangiectasia, complementation group E; Ataxia telangiectasia (A-T); Cerebello-oculocutaneous telangiectasia. Identifiers: Orphanet 100, MedGen C0004135, MONDO:0008840, OMIM 208900.

gnomAD v4.1: 1 of 1,612,598 alleles (0.000062%); highest among the groups gnomAD compares: Non-Finnish European, 0.000085%; no homozygotes.

Submission:

Labcorp Genetics (formerly Invitae), Labcorp
Classification: Uncertain significance for Ataxia-telangiectasia syndrome. Last evaluated: 2021-10-21. Review status: criteria provided, single submitter. Criteria: Invitae Variant Classification Sherloc (09022015). Collection method: clinical testing. Allele origin: germline.
Comment: In summary, the available evidence is currently insufficient to determine the role of this variant in disease. Therefore, it has been classified as a Variant of Uncertain Significance. This variant has not been reported in the literature in individuals affected with ATM-related conditions. Advanced modeling of protein sequence and biophysical properties (such as structural, functional, and spatial information, amino acid conservation, physicochemical variation, residue mobility, and thermodynamic stability) performed at Invitae indicates that this missense variant is not expected to disrupt ATM protein function. This variant is not present in population databases (gnomAD no frequency). This sequence change replaces arginine, which is basic and polar, with threonine, which is neutral and polar, at codon 1262 of the ATM protein (p.Arg1262Thr).